The following is an entry in ClinVar:

ClinVar aggregate classification (germline): Benign/Likely benign. Review status: criteria provided, multiple submitters, no conflicts (2 of 4 stars). 4 submissions from 4 submitters: Benign (1); Likely benign (3). Last evaluated 2025-11-24.

Conditions:
Hereditary cancer-predisposing syndrome. Also called: Hereditary Cancer Syndrome; Neoplastic Syndromes, Hereditary; Tumor predisposition; Hereditary neoplastic syndrome. Identifiers: Orphanet 140162, MedGen C0027672, MeSH D009386, MONDO:0015356.
Pheochromocytoma/paraganglioma syndrome 5. Also called: SDHA-Related Hereditary Paraganglioma-Pheochromocytoma Syndrome; Paragangliomas 5. Identifiers: Orphanet 29072, MedGen C3279992, MONDO:0013602, OMIM 614165.
Mitochondrial complex II deficiency, nuclear type 1. Also called: SUCCINATE CoQ REDUCTASE DEFICIENCY. Identifiers: Orphanet 3208, MedGen C5700310, MONDO:0100294, OMIM 252011.

Allele frequency attached by ClinVar (database versions not stated): gnomAD exomes below 0.00001; TOPMed below 0.00001; gnomAD 0.00001.
gnomAD v4.1: 5 of 1,613,764 alleles (0.00031%); highest among the groups gnomAD compares: Admixed American, 0.0017%; no homozygotes.

Submissions (4):

Labcorp Genetics (formerly Invitae), Labcorp
Classification: Likely benign for Pheochromocytoma/paraganglioma syndrome 5; Mitochondrial complex II deficiency, nuclear type 1. Last evaluated: 2025-11-24. Review status: criteria provided, single submitter. Criteria: Invitae Variant Classification Sherloc (09022015). Collection method: clinical testing. Allele origin: germline.

Myriad Genetics, Inc.
Classification: Benign for Pheochromocytoma/paraganglioma syndrome 5. Last evaluated: 2025-03-03. Review status: criteria provided, single submitter. Criteria: Myriad Autosomal Dominant, Autosomal Recessive and X-Linked Classification Criteria (2023). Collection method: clinical testing. Allele origin: unknown.
Comment: This variant is considered benign. This variant is a silent/synonymous amino acid change and it is not expected to impact splicing.

Blueprint Genetics
Classification: Likely benign. Last evaluated: 2023-09-12. Review status: criteria provided, single submitter. Criteria: ACMG Guidelines, 2015. Collection method: clinical testing. Allele origin: germline.

Ambry Genetics
Classification: Likely benign for Hereditary cancer-predisposing syndrome. Last evaluated: 2020-11-09. Review status: criteria provided, single submitter. Criteria: Ambry Variant Classification Scheme 2023. Collection method: clinical testing. Allele origin: germline.

NM_004168.4(SDHA):c.709C>T (p.Leu237=)

Gene: SDHA (succinate dehydrogenase complex flavoprotein subunit A; plus strand). Cytogenetic location: 5p15.33.
Variant type: single nucleotide variant.
Coding change: c.709C>T on transcript NM_004168.4 (MANE Select); coding-DNA position 709, C replaced by T.
Protein change: p.Leu237=; no amino-acid change (leucine 237 retained).
Molecular consequence: synonymous variant.
Genome position (GRCh38, 1-based): chr5:228,272, C>T. VCF-style: chr5-228272-C-T. GRCh37 (hg19) VCF-style: chr5-228387-C-T.
Other names: c.565C>T, p.Leu189= (NM_001294332.2); c.709C>T, p.Leu237= (NM_001330758.2).
Identifiers: ClinVar variation 1083221 (VCV001083221.13), dbSNP rs1735173554, ClinGen allele CA442691362.